The following is an entry in ClinVar:

ClinVar aggregate classification (germline): Uncertain significance (1 of 4 stars; one submission).

Allele frequency attached by ClinVar (database versions not stated): gnomAD 0.00001; TOPMed 0.00002.
gnomAD v4.1: 6 of 1,614,068 alleles (0.00037%); highest among the groups gnomAD compares: Admixed American, 0.0067%; no homozygotes.

Submission:

Labcorp Genetics (formerly Invitae), Labcorp
Classification: Uncertain significance. Last evaluated: 2022-08-23. Review status: criteria provided, single submitter. Criteria: Invitae Variant Classification Sherloc (09022015). Collection method: clinical testing. Allele origin: germline.
Comment: ClinVar contains an entry for this variant (Variation ID: 1499567). In summary, the available evidence is currently insufficient to determine the role of this variant in disease. Therefore, it has been classified as a Variant of Uncertain Significance. This variant has not been reported in the literature in individuals affected with TUBA8-related conditions. This variant is present in population databases (rs757669288, gnomAD 0.01%). This sequence change creates a premature translational stop signal (p.Trp346*) in the TUBA8 gene. While this is not anticipated to result in nonsense mediated decay, it is expected to disrupt the last 104 amino acid(s) of the TUBA8 protein.

NM_018943.3(TUBA8):c.1038G>A (p.Trp346Ter)

Gene: TUBA8 (tubulin alpha 8; plus strand). Cytogenetic location: 22q11.21.
Variant type: single nucleotide variant.
Coding change: c.1038G>A on transcript NM_018943.3 (MANE Select); coding-DNA position 1038, G replaced by A.
Protein change: p.Trp346Ter; replaces tryptophan 346 with a stop codon.
Molecular consequence: nonsense.
Genome position (GRCh38, 1-based): chr22:18,127,016, G>A. VCF-style: chr22-18127016-G-A. GRCh37 (hg19) VCF-style: chr22-18609783-G-A.
Other names: c.840G>A, p.Trp280Ter (NM_001193414.2); short protein forms W280*, W346*.
Identifiers: ClinVar variation 1499567 (VCV001499567.6), dbSNP rs757669288, ClinGen allele CA10093815.